The following is an entry in ClinVar:

NM_000632.4(ITGAM):c.1555C>T (p.Arg519Cys)

Gene: ITGAM (integrin subunit alpha M; plus strand). Cytogenetic location: 16p11.2.
Variant type: single nucleotide variant.
Coding change: c.1555C>T on transcript NM_000632.4 (MANE Select); coding-DNA position 1555, C replaced by T.
Protein change: p.Arg519Cys; replaces arginine 519 with cysteine.
Molecular consequence: missense variant.
Genome position (GRCh38, 1-based): chr16:31,297,802, C>T. VCF-style: chr16-31297802-C-T. GRCh37 (hg19) VCF-style: chr16-31309123-C-T.
Other names: c.1558C>T, p.Arg520Cys (NM_001145808.2); short protein forms R520C, R519C.
Identifiers: ClinVar variation 1505215 (VCV001505215.6), dbSNP rs200316294, ClinGen allele CA8025602.

ClinVar aggregate classification (germline): Uncertain significance (1 of 4 stars; one submission).

Allele frequency attached by ClinVar (database versions not stated): gnomAD exomes 0.00002; ExAC 0.00003; gnomAD 0.00003 and 0.00004; TOPMed 0.00003.

Submission:

Labcorp Genetics (formerly Invitae), Labcorp
Classification: Uncertain significance. Last evaluated: 2026-01-20. Review status: criteria provided, single submitter. Criteria: Invitae Variant Classification Sherloc (09022015). Collection method: clinical testing. Allele origin: germline.
Comment: This sequence change replaces arginine, which is basic and polar, with cysteine, which is neutral and slightly polar, at codon 519 of the ITGAM protein (p.Arg519Cys). This variant is present in population databases (rs200316294, gnomAD 0.003%). This variant has not been reported in the literature in individuals affected with ITGAM-related conditions. ClinVar contains an entry for this variant (Variation ID: 1505215). An algorithm developed to predict the effect of missense changes on protein structure and function (PolyPhen-2) suggests that this variant is likely to be disruptive. In summary, the available evidence is currently insufficient to determine the role of this variant in disease. Therefore, it has been classified as a Variant of Uncertain Significance.